The following is an entry in ClinVar:

NM_001171613.2(PREPL):c.889-11T>A

Gene: PREPL (prolyl endopeptidase like; minus strand). Cytogenetic location: 2p21.
Variant type: single nucleotide variant.
Coding change: c.889-11T>A on transcript NM_001171613.2 (MANE Select); 11 bases into the intron before coding-DNA position 889, T replaced by A.
Molecular consequence: intron variant.
Genome position (GRCh38, 1-based): chr2:44,332,667, A>T on the plus strand (T>A on the coding strand, the complement: PREPL is on the minus strand). VCF-style: chr2-44332667-A-T. GRCh37 (hg19) VCF-style: chr2-44559806-A-T.
Other names: c.889-11T>A (NM_001171617.1, NM_001374277.1); c.1156-11T>A (NM_001171603.1, NM_001374275.1, NM_001374276.1 and 2 more transcripts); c.970-11T>A (NM_001042385.2); c.1156-3555T>A (NM_001042386.2).
Identifiers: ClinVar variation 2198001 (VCV002198001.2), dbSNP rs756525290, ClinGen allele CA1641295.
Genomic context (GRCh38, chr2:44,332,667, plus strand): 5'-TTTGGGTCAGAATTTGTATCCATTATGAATCCACAGGCCCAAGGAGGGAGCTAAAGAAAT[A>T]CAACAGCTATTTTTATTCTTTATTTAGGCCACCAAGTATCATTAATTAAATTTCTAAGTC-3'

ClinVar aggregate classification (germline): Uncertain significance (1 of 4 stars; one submission).

Conditions:
Myasthenic syndrome, congenital, 22 (CMS22). Also called: PREPL DEFICIENCY. Identifiers: MedGen C4479088, MONDO:0044299, OMIM 616224.

Allele frequency attached by ClinVar (database versions not stated): gnomAD 0.00001; ExAC 0.00002.
gnomAD v4.1: 9 of 1,585,832 alleles (0.00057%); highest among the groups gnomAD compares: Admixed American, 0.0054%; no homozygotes.

Submission:

Labcorp Genetics (formerly Invitae), Labcorp
Classification: Uncertain significance for Myasthenic syndrome, congenital, 22. Last evaluated: 2022-08-10. Review status: criteria provided, single submitter. Criteria: Invitae Variant Classification Sherloc (09022015). Collection method: clinical testing. Allele origin: germline.
Comment: This variant has not been reported in the literature in individuals affected with PREPL-related conditions. This variant is present in population databases (rs756525290, gnomAD 0.0009%). This sequence change falls in intron 7 of the PREPL gene. It does not directly change the encoded amino acid sequence of the PREPL protein. Algorithms developed to predict the effect of sequence changes on RNA splicing suggest that this variant may disrupt the consensus splice site. In summary, the available evidence is currently insufficient to determine the role of this variant in disease. Therefore, it has been classified as a Variant of Uncertain Significance.